The following is an entry in ClinVar:

NM_006939.4(SOS2):c.2068G>A (p.Val690Ile)

Gene: SOS2 (SOS Ras/Rho guanine nucleotide exchange factor 2; minus strand). Cytogenetic location: 14q21.3.
Variant type: single nucleotide variant.
Coding change: c.2068G>A on transcript NM_006939.4 (MANE Select); coding-DNA position 2068, G replaced by A.
Protein change: p.Val690Ile; replaces valine 690 with isoleucine.
Molecular consequence: missense variant.
Genome position (GRCh38, 1-based): chr14:50,153,163, C>T on the plus strand (G>A on the coding strand, the complement: SOS2 is on the minus strand). VCF-style: chr14-50153163-C-T. GRCh37 (hg19) VCF-style: chr14-50619881-C-T.
Other names: c.2068G>A (NM_006939.2); short protein forms V690I.
Identifiers: ClinVar variation 1058281 (VCV001058281.10), dbSNP rs766745289, ClinGen allele CA7177131.

ClinVar aggregate classification (germline): Conflicting classifications of pathogenicity. Review status: criteria provided, conflicting classifications (1 of 4 stars). 2 submissions from 2 submitters: Uncertain significance (1); Likely benign (1). Last evaluated 2026-01-28.

Conditions:
Noonan syndrome 9 (NS9). Identifiers: Orphanet 648, MedGen C4225282, MONDO:0014691, OMIM 616559.
Cardiovascular phenotype. Identifiers: MedGen CN230736.

Allele frequency attached by ClinVar (database versions not stated): gnomAD exomes below 0.00001 and 0.00002; ExAC 0.00001; gnomAD 0.00001; TOPMed 0.00001.
gnomAD v4.1: 7 of 1,581,780 alleles (0.00044%); highest among the groups gnomAD compares: Admixed American, 0.012%; no homozygotes.

Submissions (2):

Labcorp Genetics (formerly Invitae), Labcorp
Classification: Likely benign for Noonan syndrome 9. Last evaluated: 2026-01-28. Review status: criteria provided, single submitter. Criteria: Invitae Variant Classification Sherloc (09022015). Collection method: clinical testing. Allele origin: germline.

Ambry Genetics
Classification: Uncertain significance for Cardiovascular phenotype. Last evaluated: 2023-12-29. Review status: criteria provided, single submitter. Criteria: Ambry Variant Classification Scheme 2023. Collection method: clinical testing. Allele origin: germline.
Comment: The p.V690I variant (also known as c.2068G>A), located in coding exon 13 of the SOS2 gene, results from a G to A substitution at nucleotide position 2068. The valine at codon 690 is replaced by isoleucine, an amino acid with highly similar properties. This amino acid position is conserved. In addition, this alteration is predicted to be tolerated by in silico analysis. Since supporting evidence is limited at this time, the clinical significance of this alteration remains unclear.